The following is an entry in ClinVar:

ClinVar aggregate classification (germline): Benign. Review status: criteria provided, multiple submitters, no conflicts (2 of 4 stars). 2 submissions from 2 submitters: Benign (2). Last evaluated 2018-11-08.

Conditions:
Frank-Ter Haar syndrome. Also called: BORRONE DERMATOCARDIOSKELETAL SYNDROME; TER HAAR SYNDROME; MELNICK-NEEDLES SYNDROME, AUTOSOMAL RECESSIVE; Borrone di Rocco Crovato syndrome. Identifiers: Orphanet 1266, Orphanet 137834, MedGen C1855305, MONDO:0009579, OMIM 249420.

Allele frequency attached by ClinVar (database versions not stated): 1000 Genomes Project 0.04253; 1000 Genomes Project 30x 0.04435; TOPMed 0.06712; gnomAD 0.06858 and 0.06899.
gnomAD v4.1: 118,228 of 1,147,074 alleles (10%); highest among the groups gnomAD compares: Middle Eastern, 12%; 6,493 homozygotes.

Submissions (2):

GeneDx
Classification: Benign. Last evaluated: 2018-11-08. Review status: criteria provided, single submitter. Criteria: GeneDx Variant Classification Process June 2021. Collection method: clinical testing. Allele origin: germline. Affected: yes.

Illumina Laboratory Services, Illumina
Classification: Benign for Frank-Ter Haar syndrome. Last evaluated: 2018-01-12. Review status: criteria provided, single submitter. Criteria: ICSL Variant Classification Criteria 13 December 2019. Collection method: clinical testing. Allele origin: germline.
Comment: This variant was observed in the ICSL laboratory as part of a predisposition screen in an ostensibly healthy population. It had not been previously curated by ICSL or reported in the Human Gene Mutation Database (HGMD: prior to June 1st, 2018), and was therefore a candidate for classification through an automated scoring system. Utilizing variant allele frequency, disease prevalence and penetrance estimates, and inheritance mode, an automated score was calculated to assess if this variant is too frequent to cause the disease. Based on the score and internal cut-off values, a variant classified as benign is not then subjected to further curation. The score for this variant resulted in a classification of benign for this disease.

NM_001017995.3(SH3PXD2B):c.-56C>G

Gene: SH3PXD2B (SH3 and PX domains 2B; minus strand). Cytogenetic location: 5q35.1.
Variant type: single nucleotide variant.
Coding change: c.-56C>G on transcript NM_001017995.3 (MANE Select); 56 bases upstream of the start codon, C replaced by G.
Molecular consequence: 5 prime UTR variant.
Genome position (GRCh38, 1-based): chr5:172,454,408, G>C on the plus strand (C>G on the coding strand, the complement: SH3PXD2B is on the minus strand). VCF-style: chr5-172454408-G-C. GRCh37 (hg19) VCF-style: chr5-171881412-G-C.
Other names: c.-56C>G (NM_001308175.2).
Identifiers: ClinVar variation 352831 (VCV000352831.7), dbSNP rs62385470, ClinGen allele CA10624199.